The following is an entry in ClinVar:

NM_006073.4(TRDN):c.1537+100del

Gene: TRDN (triadin; minus strand). Cytogenetic location: 6q22.31.
Variant type: Deletion.
Coding change: c.1537+100del on transcript NM_006073.4 (MANE Select); 100 bases into the intron after coding-DNA position 1537, one base deleted (T; older notation c.1537+100delT).
Molecular consequence: intron variant.
Genome position (GRCh38, 1-based): chr6:123,278,956, A deleted on the plus strand (T on the coding strand, the reverse complement: TRDN is on the minus strand); the first of 2 consecutive A bases (chr6:123,278,956-123,278,957); deleting either gives the same sequence. VCF-style (leftmost placement, unchanged base first): chr6-123278955-CA-C. GRCh37 (hg19) VCF-style: chr6-123600100-CA-C.
Identifiers: ClinVar variation 674822 (VCV000674822.1), dbSNP rs143535631, ClinGen allele CA147233131.

ClinVar aggregate classification (germline): Benign (1 of 4 stars; one submission).

Submission:

GeneDx
Classification: Benign. Last evaluated: 2018-06-14. Review status: criteria provided, single submitter. Criteria: GeneDx Variant Classification (06012015). Collection method: clinical testing. Allele origin: germline. Affected: yes.
Comment: This variant is considered likely benign or benign based on one or more of the following criteria: it is a conservative change, it occurs at a poorly conserved position in the protein, it is predicted to be benign by multiple in silico algorithms, and/or has population frequency not consistent with disease.